The following is an entry in ClinVar:

ClinVar aggregate classification (germline): Uncertain significance (1 of 4 stars; one submission).

Allele frequency attached by ClinVar (database versions not stated): gnomAD exomes below 0.00001; gnomAD 0.00001; TOPMed 0.00006.
gnomAD v4.1: 4 of 1,537,428 alleles (0.00026%); highest among the groups gnomAD compares: Admixed American, 0.0059%; no homozygotes.

Submission:

Labcorp Genetics (formerly Invitae), Labcorp
Classification: Uncertain significance. Last evaluated: 2023-05-09. Review status: criteria provided, single submitter. Criteria: Invitae Variant Classification Sherloc (09022015). Collection method: clinical testing. Allele origin: germline.
Comment: In summary, the available evidence is currently insufficient to determine the role of this variant in disease. Therefore, it has been classified as a Variant of Uncertain Significance. An algorithm developed to predict the effect of missense changes on protein structure and function (PolyPhen-2) suggests that this variant is likely to be disruptive. This variant has not been reported in the literature in individuals affected with FUK-related conditions. This variant is present in population databases (no rsID available, gnomAD 0.01%). This sequence change replaces leucine, which is neutral and non-polar, with proline, which is neutral and non-polar, at codon 543 of the FUK protein (p.Leu543Pro).

NM_145059.3(FCSK):c.1628T>C (p.Leu543Pro)

Gene: FCSK (fucose kinase; plus strand). Cytogenetic location: 16q22.1.
Variant type: single nucleotide variant.
Coding change: c.1628T>C on transcript NM_145059.3 (MANE Select); coding-DNA position 1628, T replaced by C.
Protein change: p.Leu543Pro; replaces leucine 543 with proline.
Molecular consequence: missense variant.
Genome position (GRCh38, 1-based): chr16:70,473,204, T>C. VCF-style: chr16-70473204-T-C. GRCh37 (hg19) VCF-style: chr16-70507107-T-C.
Other names: short protein forms L543P.
Identifiers: ClinVar variation 2889474 (VCV002889474.3), dbSNP rs917782468, ClinGen allele CA283470798.